The following is an entry in ClinVar:

ClinVar aggregate classification (germline): Uncertain significance. Review status: criteria provided, multiple submitters, no conflicts (2 of 4 stars). 2 submissions from 2 submitters: Uncertain significance (2). Last evaluated 2023-02-25.

Conditions:
Hereditary cancer-predisposing syndrome. Also called: Hereditary neoplastic syndrome; Tumor predisposition; Neoplastic Syndromes, Hereditary; Hereditary Cancer Syndrome. Identifiers: Orphanet 140162, MedGen C0027672, MeSH D009386, MONDO:0015356.

Allele frequency attached by ClinVar (database versions not stated): gnomAD exomes below 0.00001.
gnomAD v4.1: 2 of 1,614,204 alleles (0.00012%); highest among the groups gnomAD compares: South Asian, 0.0011%; no homozygotes.

Submissions (2):

Ambry Genetics
Classification: Uncertain significance for Hereditary cancer-predisposing syndrome. Last evaluated: 2023-02-25. Review status: criteria provided, single submitter. Criteria: Ambry Variant Classification Scheme 2023. Collection method: clinical testing. Allele origin: germline.
Comment: The p.Y131H variant (also known as c.391T>C), located in coding exon 3 of the XRCC2 gene, results from a T to C substitution at nucleotide position 391. The tyrosine at codon 131 is replaced by histidine, an amino acid with similar properties. This amino acid position is conserved. In addition, this alteration is predicted to be tolerated by in silico analysis. Since supporting evidence is limited at this time, the clinical significance of this alteration remains unclear.

GeneDx
Classification: Uncertain significance. Last evaluated: 2015-04-07. Review status: criteria provided, single submitter. Criteria: GeneDx Variant Classification (06012015). Collection method: clinical testing. Allele origin: germline. Affected: yes.
Comment: This variant is denoted XRCC2 c.391T>C at the cDNA level, p.Tyr131His (Y131H) at the protein level, and results in the change of a Tyrosine to a Histidine (TAC>CAC). This variant has not, to our knowledge, been published in the literature as pathogenic or benign. XRCC2 Tyr131His was not observed in approximately 6,500 individuals of European and African American ancestry in the NHLBI Exome Sequencing Project, indicating it is not a common benign variant in these populations. Since Tyrosine and Histidine differ in polarity, charge, size or other properties, this is considered a non-conservative amino acid substitution. XRCC2 Tyr131His occurs at a position that is not conserved across species and is located in the ATPase domain (Kim 2011). In silico analyses predict that this variant is unlikely to alter protein structure or function. Based on currently available information, it is unclear whether XRCC2 Tyr131His is pathogenic or benign. We consider it to be a variant of uncertain significance.

NM_005431.2(XRCC2):c.391T>C (p.Tyr131His)

Gene: XRCC2 (X-ray repair cross complementing 2; minus strand). Cytogenetic location: 7q36.1.
Variant type: single nucleotide variant.
Coding change: c.391T>C on transcript NM_005431.2 (MANE Select); coding-DNA position 391, T replaced by C.
Protein change: p.Tyr131His; replaces tyrosine 131 with histidine.
Molecular consequence: missense variant.
Genome position (GRCh38, 1-based): chr7:152,649,094, A>G on the plus strand (T>C on the coding strand, the complement: XRCC2 is on the minus strand). VCF-style: chr7-152649094-A-G. GRCh37 (hg19) VCF-style: chr7-152346179-A-G.
Other names: short protein forms Y131H.
Identifiers: ClinVar variation 418847 (VCV000418847.4), dbSNP rs1064793473, ClinGen allele CA16618432.